The following is an entry in ClinVar:

NM_198576.4(AGRN):c.3698G>A (p.Arg1233Gln)

Gene: AGRN (agrin; plus strand). Cytogenetic location: 1p36.33.
Variant type: single nucleotide variant.
Coding change: c.3698G>A on transcript NM_198576.4 (MANE Select); coding-DNA position 3698, G replaced by A.
Protein change: p.Arg1233Gln; replaces arginine 1233 with glutamine.
Molecular consequence: missense variant.
Genome position (GRCh38, 1-based): chr1:1,047,842, G>A. VCF-style: chr1-1047842-G-A. GRCh37 (hg19) VCF-style: chr1-983222-G-A.
Other names: c.3698G>A, p.Arg1233Gln (NM_001305275.2); c.3383G>A, p.Arg1128Gln (NM_001364727.2); short protein forms R1233Q, R1128Q.
Identifiers: ClinVar variation 474124 (VCV000474124.10), dbSNP rs746259185, ClinGen allele CA509193.

ClinVar aggregate classification (germline): Uncertain significance. Review status: criteria provided, multiple submitters, no conflicts (2 of 4 stars). 2 submissions from 2 submitters: Uncertain significance (2). Last evaluated 2025-08-23.

Conditions:
Inborn genetic diseases. Identifiers: MedGen C0950123, MeSH D030342.
Congenital myasthenic syndrome 8. Also called: MYASTHENIC SYNDROME, CONGENITAL, DUE TO AGRIN DEFICIENCY; Myasthenic syndrome, congenital, 8, with pre- and postsynaptic defects. Identifiers: Orphanet 590, MedGen C3808739, MONDO:0014052, OMIM 615120.

Allele frequency attached by ClinVar (database versions not stated): gnomAD 0.00003; TOPMed 0.00003; ExAC 0.00010.
gnomAD v4.1: 52 of 1,605,312 alleles (0.0032%); highest among the groups gnomAD compares: African/African-American, 0.004%; no homozygotes.

Submissions (2):

Ambry Genetics
Classification: Uncertain significance for Inborn genetic diseases. Last evaluated: 2025-08-23. Review status: criteria provided, single submitter. Criteria: Ambry Variant Classification Scheme 2023. Collection method: clinical testing. Allele origin: germline.

Labcorp Genetics (formerly Invitae), Labcorp
Classification: Uncertain significance for Congenital myasthenic syndrome 8. Last evaluated: 2022-09-28. Review status: criteria provided, single submitter. Criteria: Invitae Variant Classification Sherloc (09022015). Collection method: clinical testing. Allele origin: germline.
Comment: In summary, the available evidence is currently insufficient to determine the role of this variant in disease. Therefore, it has been classified as a Variant of Uncertain Significance. Algorithms developed to predict the effect of missense changes on protein structure and function output the following: SIFT: "Tolerated"; PolyPhen-2: "Benign"; Align-GVGD: "Class C0". The glutamine amino acid residue is found in multiple mammalian species, which suggests that this missense change does not adversely affect protein function. ClinVar contains an entry for this variant (Variation ID: 474124). This variant has not been reported in the literature in individuals affected with AGRN-related conditions. This variant is present in population databases (rs746259185, gnomAD 0.1%). This sequence change replaces arginine, which is basic and polar, with glutamine, which is neutral and polar, at codon 1233 of the AGRN protein (p.Arg1233Gln).